The following is an entry in ClinVar:

ClinVar aggregate classification (germline): Pathogenic (1 of 4 stars; one submission).

Submission:

GeneDx
Classification: Pathogenic. Last evaluated: 2025-06-12. Review status: criteria provided, single submitter. Criteria: GeneDx Variant Classification Process June 2021. Collection method: clinical testing. Allele origin: germline. Affected: yes.
Comment: Not observed at significant frequency in large population cohorts (gnomAD); In silico analysis supports that this missense variant has a deleterious effect on protein structure/function; Has not been previously published as pathogenic or benign to our knowledge

NM_002911.4(UPF1):c.2804A>G (p.Tyr935Cys)

Gene: UPF1 (UPF1 RNA helicase and ATPase; plus strand). Cytogenetic location: 19p13.11.
Variant type: single nucleotide variant.
Coding change: c.2804A>G on transcript NM_002911.4 (MANE Select); coding-DNA position 2804, A replaced by G.
Protein change: p.Tyr935Cys; replaces tyrosine 935 with cysteine.
Molecular consequence: missense variant.
Genome position (GRCh38, 1-based): chr19:18,864,198, A>G. VCF-style: chr19-18864198-A-G. GRCh37 (hg19) VCF-style: chr19-18975007-A-G.
Other names: c.2837A>G, p.Tyr946Cys (NM_001297549.2); short protein forms Y935C, Y946C.
Identifiers: ClinVar variation 4537885 (VCV004537885.1).
Genomic context (GRCh38, chr19:18,864,198, plus strand): 5'-GACAAATTCCTCACCTATCTAAACCTTCGCAGGGAGCCCGCTTCATGACCACAGCCATGT[A>G]TGATGCCCGGGAGGCCATCATCCCAGGCTCCGTCTATGATCGGAGCAGCCAGGGTGAGTC-3'
Protein context (NP_002902.2, residues 925-945): PGARFMTTAM[Tyr935Cys]DAREAIIPGS